The following is an entry in ClinVar:

ClinVar aggregate classification (germline): Uncertain significance (1 of 4 stars; one submission).

Conditions:
Hereditary cancer-predisposing syndrome. Also called: Hereditary neoplastic syndrome; Neoplastic Syndromes, Hereditary; Tumor predisposition; Hereditary Cancer Syndrome. Identifiers: Orphanet 140162, MedGen C0027672, MeSH D009386, MONDO:0015356.

Submission:

Ambry Genetics
Classification: Uncertain significance for Hereditary cancer-predisposing syndrome. Last evaluated: 2025-01-21. Review status: criteria provided, single submitter. Criteria: Ambry Variant Classification Scheme 2023. Collection method: clinical testing. Allele origin: germline.
Comment: The p.D198G variant (also known as c.593A>G), located in coding exon 3 of the FLCN gene, results from an A to G substitution at nucleotide position 593. The aspartic acid at codon 198 is replaced by glycine, an amino acid with similar properties. This amino acid position is not well conserved in available vertebrate species. In addition, the in silico prediction for this alteration is inconclusive. Based on the available evidence, the clinical significance of this variant remains unclear.

NM_144997.7(FLCN):c.593A>G (p.Asp198Gly)

Gene: FLCN (folliculin; minus strand). Cytogenetic location: 17p11.2.
Variant type: single nucleotide variant.
Coding change: c.593A>G on transcript NM_144997.7 (MANE Select); coding-DNA position 593, A replaced by G.
Protein change: p.Asp198Gly; replaces aspartic acid 198 with glycine.
Molecular consequence: missense variant.
Genome position (GRCh38, 1-based): chr17:17,223,947, T>C on the plus strand (A>G on the coding strand, the complement: FLCN is on the minus strand). VCF-style: chr17-17223947-T-C. GRCh37 (hg19) VCF-style: chr17-17127261-T-C.
Other names: c.647A>G, p.Asp216Gly (NM_001353229.2); c.593A>G, p.Asp198Gly (NM_001353230.2, NM_001353231.2, NM_144606.7); short protein forms D216G, D198G.
Identifiers: ClinVar variation 3850552 (VCV003850552.1).
Genomic context (GRCh38, chr17:17,223,947, plus strand): 5'-CCCCTGCCGCCCCGGCACCTCATCTCTGAATTCACCTTGAGCGCCTTGCCCTGGAGCTCA[T>C]CGATGATTCCCCGGACCTTCCCCAGCAGGAAGGGCCAGGAGTTGATGAGGTAGATCCGGT-3'
Protein context (NP_659434.2, residues 188-208): FLLGKVRGII[Asp198Gly]ELQGKALKVF